The following is an entry in ClinVar:

NM_000361.3(THBD):c.450G>A (p.Glu150=)

Gene: THBD (thrombomodulin; minus strand). Cytogenetic location: 20p11.21.
Variant type: single nucleotide variant.
Coding change: c.450G>A on transcript NM_000361.3 (MANE Select); coding-DNA position 450, G replaced by A.
Protein change: p.Glu150=; no amino-acid change (glutamic acid 150 retained).
Molecular consequence: synonymous variant.
Genome position (GRCh38, 1-based): chr20:23,049,055, C>T on the plus strand (G>A on the coding strand, the complement: THBD is on the minus strand). VCF-style: chr20-23049055-C-T. GRCh37 (hg19) VCF-style: chr20-23029692-C-T.
Identifiers: ClinVar variation 4717009 (VCV004717009.1).

ClinVar aggregate classification (germline): Uncertain significance (1 of 4 stars; one submission).

Submission:

Labcorp Genetics (formerly Invitae), Labcorp
Classification: Uncertain significance. Last evaluated: 2025-09-03. Review status: criteria provided, single submitter. Criteria: Invitae Variant Classification Sherloc (09022015). Collection method: clinical testing. Allele origin: germline.
Comment: This sequence change affects codon 150 of the THBD mRNA. It is a 'silent' change, meaning that it does not change the encoded amino acid sequence of the THBD protein. This variant is not present in population databases (gnomAD no frequency). This variant has not been reported in the literature in individuals affected with THBD-related conditions. In summary, the available evidence is currently insufficient to determine the role of this variant in disease. Therefore, it has been classified as a Variant of Uncertain Significance.